The following is an entry in ClinVar:

ClinVar aggregate classification (germline): Benign/Likely benign. Review status: criteria provided, multiple submitters, no conflicts (2 of 4 stars). 10 submissions from 10 submitters: Benign (3); Likely benign (5). 2 of the submissions do not count toward it. Last evaluated 2026-02-03.

Conditions:
Noonan syndrome and Noonan-related syndrome. Identifiers: Orphanet 98733, MedGen C5681679, MONDO:0020297.
RASopathy. Also called: Noonan spectrum disorder; rasopathies. Identifiers: Orphanet 536391, MedGen C5555857, MONDO:0021060.

Submissions (10):

Labcorp Genetics (formerly Invitae), Labcorp
Classification: Benign for RASopathy. Last evaluated: 2026-02-03. Review status: criteria provided, single submitter. Criteria: Invitae Variant Classification Sherloc (09022015). Collection method: clinical testing. Allele origin: germline.

Laboratory of Genetics, Children's Clinical University Hospital Latvia
Classification: Likely benign. Last evaluated: 2025-02-16. Review status: criteria provided, single submitter. Criteria: ACMG Guidelines, 2015. Collection method: clinical testing. Allele origin: germline. Affected: yes.

Blueprint Genetics
Classification: Likely benign. Last evaluated: 2024-11-27. Review status: criteria provided, single submitter. Criteria: ACMG Guidelines, 2015. Collection method: clinical testing. Allele origin: germline.

Mayo Clinic Laboratories, Mayo Clinic
Classification: Likely benign. Last evaluated: 2024-11-27. Review status: criteria provided, single submitter. Criteria: ACMG Guidelines, 2015. Collection method: clinical testing. Allele origin: germline. Observed: 17 variant alleles.
Comment: PM2_supporting

Women's Health and Genetics/Laboratory Corporation of America, LabCorp
Classification: Benign. Last evaluated: 2023-05-10. Review status: criteria provided, single submitter. Criteria: LabCorp Variant Classification Summary - May 2015. Collection method: clinical testing. Allele origin: germline.
Comment: Variant summary: BRAF c.2128-5delT alters a non-conserved nucleotide located close to a canonical splice site and therefore could affect mRNA splicing, leading to a significantly altered protein sequence. 4/4 computational tools predict no significant impact on normal splicing. However, these predictions have yet to be confirmed by functional studies. The variant allele was found at a frequency of 0.012 in 24396 control chromosomes in the gnomAD database, including 3 homozygotes. The observed variant frequency is approximately 2527.18 fold of the estimated maximal expected allele frequency for a pathogenic variant in BRAF causing Cardiofaciocutaneous Syndrome phenotype (4.7e-06), strongly suggesting that the variant is benign. To our knowledge, no occurrence of c.2128-5delT in individuals affected with Cardiofaciocutaneous Syndrome and no experimental evidence demonstrating its impact on protein function have been reported. Four ClinVar submitters (evaluation after 2014) have cited the variant, and all laboratories classified the variant as benign (n = 2) or likely benign (n = 2). Based on the evidence outlined above, the variant was classified as benign.

Genome Diagnostics Laboratory, The Hospital for Sick Children
Classification: Likely benign for Noonan syndrome and Noonan-related syndrome. Last evaluated: 2019-10-01. Review status: criteria provided, single submitter. Criteria: ACMG Guidelines, 2015. Collection method: clinical testing. Allele origin: germline.

Eurofins Ntd Llc (ga)
Classification: Benign. Last evaluated: 2015-05-20. Review status: criteria provided, single submitter. Criteria: EGL Classification Definitions 2015. Collection method: clinical testing. Allele origin: germline. Observed: 2 variant alleles, 1 heterozygote.

Laboratory for Molecular Medicine, Mass General Brigham Personalized Medicine
Classification: Likely benign. Last evaluated: 2012-07-13. Review status: criteria provided, single submitter. Criteria: LMM Criteria. Collection method: clinical testing. Allele origin: germline. Observed: 1 variant allele.

Clinical Genetics DNA and cytogenetics Diagnostics Lab, Erasmus MC, Erasmus Medical Center
Classification: Benign. Review status: no assertion criteria provided. Collection method: clinical testing. Allele origin: germline. Affected: yes. Study: VKGL Data-share Consensus. Not counted in ClinVar's aggregate classification.

Clinical Genetics, Academic Medical Center
Classification: Benign. Review status: no assertion criteria provided. Collection method: clinical testing. Allele origin: germline. Affected: yes. Study: VKGL Data-share Consensus. Not counted in ClinVar's aggregate classification.

Literature cited by the submitters: PubMed 24920063 (cited by Women's Health and Genetics/Laboratory Corporation of America, LabCorp).

NM_004333.6(BRAF):c.2128-5del

Gene: BRAF (B-Raf proto-oncogene, serine/threonine kinase; minus strand). Cytogenetic location: 7q34.
Variant type: Deletion.
Coding change: c.2128-5del on transcript NM_004333.6 (MANE Select); 5 bases into the intron before coding-DNA position 2128, one base deleted (T; older notation c.2128-5delT).
Molecular consequence: intron variant.
Genome position (GRCh38, 1-based): chr7:140,734,775, A deleted on the plus strand (T on the coding strand, the reverse complement: BRAF is on the minus strand); the first of 11 consecutive A bases (chr7:140,734,775-140,734,785); deleting any one gives the same sequence. VCF-style (leftmost placement, unchanged base first): chr7-140734774-CA-C. GRCh37 (hg19) VCF-style: chr7-140434574-CA-C.
Other names: p.?; c.2127+5037del (NM_001378474.1, NM_001378468.1); c.2026-5del (NM_001378470.1); c.1864-5del (NM_001378475.1); c.2017-5del (NM_001378471.1); c.2128-5del (NM_001354609.2); c.2248-5del (NM_001374258.1, NM_001374244.1); c.2137-5del (NM_001378467.1); and 3 more.
Identifiers: ClinVar variation 44821 (VCV000044821.31), dbSNP rs373442098, ClinGen allele CA135114.